The following is an entry in ClinVar:

ClinVar aggregate classification (germline): Uncertain significance (1 of 4 stars; one submission).

gnomAD v4.1: 2 of 1,556,820 alleles (0.00013%); highest among the groups gnomAD compares: Non-Finnish European, 0.000087%; no homozygotes.

Submission:

Labcorp Genetics (formerly Invitae), Labcorp
Classification: Uncertain significance. Last evaluated: 2022-05-31. Review status: criteria provided, single submitter. Criteria: Invitae Variant Classification Sherloc (09022015). Collection method: clinical testing. Allele origin: germline.
Comment: In summary, the available evidence is currently insufficient to determine the role of this variant in disease. Therefore, it has been classified as a Variant of Uncertain Significance. Algorithms developed to predict the effect of missense changes on protein structure and function (SIFT, PolyPhen-2, Align-GVGD) all suggest that this variant is likely to be tolerated. This variant has not been reported in the literature in individuals affected with CHD8-related conditions. This variant is not present in population databases (gnomAD no frequency). This sequence change replaces arginine, which is basic and polar, with leucine, which is neutral and non-polar, at codon 2418 of the CHD8 protein (p.Arg2418Leu).

NM_001170629.2(CHD8):c.7253G>T (p.Arg2418Leu)

Gene: CHD8 (chromodomain helicase DNA binding protein 8; minus strand). Cytogenetic location: 14q11.2.
Variant type: single nucleotide variant.
Coding change: c.7253G>T on transcript NM_001170629.2 (MANE Select); coding-DNA position 7253, G replaced by T.
Protein change: p.Arg2418Leu; replaces arginine 2418 with leucine.
Molecular consequence: missense variant.
Genome position (GRCh38, 1-based): chr14:21,386,106, C>A on the plus strand (G>T on the coding strand, the complement: CHD8 is on the minus strand). VCF-style: chr14-21386106-C-A. GRCh37 (hg19) VCF-style: chr14-21854265-C-A.
Other names: c.6416G>T, p.Arg2139Leu (NM_020920.4); short protein forms R2139L, R2418L.
Identifiers: ClinVar variation 2001419 (VCV002001419.4), dbSNP rs573063062, ClinGen allele CA388875562.
Genomic context (GRCh38, chr14:21,386,106, plus strand): 5'-GTGCTTCCACCCTGCATGAGGGCCATCATCTTAGAAAGGTCTGGTCGCATCCTACGGGCC[C>A]GCTTCTTGCTGCTCTCTGGTGCAATAGGCCCTGGCAAAACCCGGTTGAACACCGTTTCAG-3'
Protein context (NP_001164100.1, residues 2408-2428): GPIAPESSKK[Arg2418Leu]ARRMRPDLSK